The following is an entry in ClinVar:

ClinVar aggregate classification (germline): Likely benign. Review status: criteria provided, multiple submitters, no conflicts (2 of 4 stars). 2 submissions from 2 submitters: Likely benign (2). Last evaluated 2023-10-05.

Conditions:
Glycogen storage disease, type II (IOPD). Also called: CARDIOMEGALIA GLYCOGENICA DIFFUSA; GLYCOGENOSIS, GENERALIZED, CARDIAC FORM; GSD II; Glycogen storage disease type 2; Acid maltase deficiency disease; Aglucosidase alfa. Identifiers: Orphanet 365, MedGen C0017921, MONDO:0009290, OMIM 232300.

Submissions (2):

Labcorp Genetics (formerly Invitae), Labcorp
Classification: Likely benign for Glycogen storage disease, type II. Last evaluated: 2023-10-05. Review status: criteria provided, single submitter. Criteria: Invitae Variant Classification Sherloc (09022015). Collection method: clinical testing. Allele origin: germline.

CeGaT Center for Human Genetics Tuebingen
Classification: Likely benign. Last evaluated: 2023-08-01. Review status: criteria provided, single submitter. Criteria: CeGaT Center For Human Genetics Tuebingen Variant Classification Criteria Version 2. Collection method: clinical testing. Allele origin: germline. Affected: yes. Observed: 2 variant alleles.
Comment: GAA: PM2:Supporting, BP4, BP7

NM_000152.5(GAA):c.1845G>A (p.Gly615=)

Gene: GAA (alpha glucosidase; plus strand). Cytogenetic location: 17q25.3.
Variant type: single nucleotide variant.
Coding change: c.1845G>A on transcript NM_000152.5 (MANE Select); coding-DNA position 1845, G replaced by A.
Protein change: p.Gly615=; no amino-acid change (glycine 615 retained).
Molecular consequence: synonymous variant.
Genome position (GRCh38, 1-based): chr17:80,112,668, G>A. VCF-style: chr17-80112668-G-A. GRCh37 (hg19) VCF-style: chr17-78086467-G-A.
Other names: c.1845G>A, p.Gly615= (NM_001079803.3, NM_001079804.3, NM_001406741.1 and 1 more transcripts).
Identifiers: ClinVar variation 2578801 (VCV002578801.28), dbSNP rs2510381532, ClinGen allele CA502402586.